The following is an entry in ClinVar:

NM_000090.4(COL3A1):c.79+9G>A

Gene: COL3A1 (collagen type III alpha 1 chain; plus strand). Cytogenetic location: 2q32.2.
Variant type: single nucleotide variant.
Coding change: c.79+9G>A on transcript NM_000090.4 (MANE Select); 9 bases into the intron after coding-DNA position 79, G replaced by A.
Molecular consequence: intron variant.
Genome position (GRCh38, 1-based): chr2:188,974,577, G>A. VCF-style: chr2-188974577-G-A. GRCh37 (hg19) VCF-style: chr2-189839303-G-A.
Identifiers: ClinVar variation 4882040 (VCV004882040.2).

ClinVar aggregate classification (germline): Uncertain significance (1 of 4 stars; one submission).

Submission:

Dasa
Classification: Uncertain significance. Last evaluated: 2026-04-20. Review status: criteria provided, single submitter. Criteria: DASA Assertion Criteria. Collection method: clinical testing. Allele origin: germline.
Comment: NM_000090.4(COL3A1):c.79+9G>A is a splice-region variant. This variant is rare in population databases. Computational prediction algorithms are consistent with a benign effect. The currently available literature and clinical evidence are not sufficient to establish a definitive association between this variant and the reported condition. Therefore, this variant is classified as a variant of uncertain significance.